The following is an entry in ClinVar:

ClinVar aggregate classification (germline): Likely benign (0 of 4 stars; one submission).

Conditions:
CYP7B1-related disorder. Also called: CYP7B1-related condition.

Submission:

PreventionGenetics, part of Exact Sciences
Classification: Likely benign for CYP7B1-related condition. Last evaluated: 2023-12-19. Review status: no assertion criteria provided. Collection method: clinical testing. Allele origin: germline.
Comment: This variant is classified as likely benign based on ACMG/AMP sequence variant interpretation guidelines (Richards et al. 2015 PMID: 25741868, with internal and published modifications).

NM_001324112.2(CYP7B1):c.1278G>A (p.Glu426=)

Gene: CYP7B1 (cytochrome P450 family 7 subfamily B member 1; minus strand). Cytogenetic location: 8q12.3.
Variant type: single nucleotide variant.
Coding change: c.1278G>A on transcript NM_001324112.2; coding-DNA position 1278, G replaced by A.
Protein change: p.Glu426=; no amino-acid change (glutamic acid 426 retained).
Molecular consequence: synonymous variant.
Genome position (GRCh38, 1-based): chr8:64,587,798, C>T on the plus strand (G>A on the coding strand, the complement: CYP7B1 is on the minus strand). VCF-style: chr8-64587798-C-T. GRCh37 (hg19) VCF-style: chr8-65500355-C-T.
Identifiers: ClinVar variation 3029639 (VCV003029639.2), dbSNP rs2487137499, ClinGen allele CA461143532.